The following is an entry in ClinVar:

ClinVar aggregate classification (germline): Uncertain significance (1 of 4 stars; one submission).

Conditions:
MYH14-related disorder. Also called: MYH14-related condition.

Submission:

PreventionGenetics, part of Exact Sciences
Classification: Uncertain significance for MYH14-related condition. Last evaluated: 2025-11-06. Review status: criteria provided, single submitter. Criteria: ACMG Guidelines, 2015. Collection method: clinical testing. Allele origin: germline.
Comment: The MYH14 c.5998delC variant is predicted to result in a frameshift and premature protein termination (p.Gln2000Argfs*5). To our knowledge, this variant has not been reported in the literature or in a large population database (gnomAD), indicating this variant is rare. This variant occurs in the last exon and no truncating variants downstream of this position have been established as pathogenic. At this time, the clinical significance of this variant is uncertain due to the absence of conclusive functional and genetic evidence.

NM_001145809.2(MYH14):c.5998del (p.Gln2000fs)

Gene: MYH14 (myosin heavy chain 14; plus strand). Cytogenetic location: 19q13.33.
Variant type: Deletion.
Coding change: c.5998del on transcript NM_001145809.2 (MANE Select); coding-DNA position 5998, one base deleted (C; older notation c.5998delC).
Protein change: p.Gln2000fs; shifts the reading frame from glutamine 2000.
Molecular consequence: frameshift variant.
Genome position (GRCh38, 1-based): chr19:50,309,677, C deleted; the last of 2 consecutive C bases (chr19:50,309,676-50,309,677); deleting either gives the same sequence. VCF-style (leftmost placement, unchanged base first): chr19-50309675-GC-G. GRCh37 (hg19) VCF-style: chr19-50812932-GC-G.
Other names: c.5899del, p.Gln1967fs (NM_001077186.2); c.5875del, p.Gln1959fs (NM_024729.4); short protein forms Q1959fs, Q1967fs, Q2000fs.
Identifiers: ClinVar variation 2635483 (VCV002635483.2), dbSNP rs2513782228, ClinGen allele CA2695201361.